The following is an entry in ClinVar:

NM_198253.3(TERT):c.2460C>G (p.Ile820Met)

Gene: TERT (telomerase reverse transcriptase; minus strand). Cytogenetic location: 5p15.33.
Variant type: single nucleotide variant.
Coding change: c.2460C>G on transcript NM_198253.3 (MANE Select); coding-DNA position 2460, C replaced by G.
Protein change: p.Ile820Met; replaces isoleucine 820 with methionine.
Molecular consequence: missense variant.
Genome position (GRCh38, 1-based): chr5:1,271,127, G>C on the plus strand (C>G on the coding strand, the complement: TERT is on the minus strand). VCF-style: chr5-1271127-G-C. GRCh37 (hg19) VCF-style: chr5-1271242-G-C.
Other names: c.2460C>G, p.Ile820Met (NM_001193376.3, NM_003219.1); short protein forms I820M.
Identifiers: ClinVar variation 3238562 (VCV003238562.1), dbSNP rs2478199801.

ClinVar aggregate classification (germline): Uncertain significance (1 of 4 stars; one submission).

Conditions:
Dyskeratosis congenita. Identifiers: Orphanet 1775, MedGen C0265965, MONDO:0015780.

Submission:

Ambry Genetics
Classification: Uncertain significance for Dyskeratosis congenita. Last evaluated: 2023-03-26. Review status: criteria provided, single submitter. Criteria: Ambry Variant Classification Scheme 2023. Collection method: clinical testing. Allele origin: germline.
Comment: The p.I820M variant (also known as c.2460C>G), located in coding exon 8 of the TERT gene, results from a C to G substitution at nucleotide position 2460. The isoleucine at codon 820 is replaced by methionine, an amino acid with highly similar properties. This amino acid position is conserved. In addition, the in silico prediction for this alteration is inconclusive. Since supporting evidence is limited at this time, the clinical significance of this alteration remains unclear.